The following is an entry in ClinVar:

NM_194454.3(KRIT1):c.475del (p.Ala159fs)

Gene: KRIT1 (KRIT1 ankyrin repeat containing; minus strand). Cytogenetic location: 7q21.2.
Variant type: Deletion.
Coding change: c.475del on transcript NM_194454.3 (MANE Select); coding-DNA position 475, one base deleted (G; older notation c.475delG).
Protein change: p.Ala159fs; shifts the reading frame from alanine 159.
Molecular consequence: frameshift variant. On other transcripts: 5 prime UTR variant (1).
Genome position (GRCh38, 1-based): chr7:92,236,423, C deleted on the plus strand (G on the coding strand, the reverse complement: KRIT1 is on the minus strand). VCF-style (leftmost placement, unchanged base first): chr7-92236422-GC-G. GRCh37 (hg19) VCF-style: chr7-91865736-GC-G.
Other names: c.475del, p.Ala159fs (NM_001013406.2, NM_001350669.1, NM_001350670.1 and 29 more transcripts); c.-109del (NM_001350671.1); short protein forms A159fs.
Identifiers: ClinVar variation 3725983 (VCV003725983.2).

ClinVar aggregate classification (germline): Pathogenic (1 of 4 stars; one submission).

Conditions:
Cerebral cavernous malformation (CCM). Also called: Cavernous Hemangioma of Brain; Cerebral cavernous hemangioma (type); CAVERNOUS ANGIOMA, FAMILIAL; CAVERNOUS ANGIOMATOUS MALFORMATIONS; CEREBRAL CAPILLARY MALFORMATIONS; Cerebral cavernous malformations. Identifiers: Orphanet 221061, MedGen C2919945, MONDO:0000820, OMIM 116860, HP:0033522.

Submission:

Labcorp Genetics (formerly Invitae), Labcorp
Classification: Pathogenic for Cerebral cavernous malformation. Last evaluated: 2025-01-21. Review status: criteria provided, single submitter. Criteria: Invitae Variant Classification Sherloc (09022015). Collection method: clinical testing. Allele origin: germline.
Comment: This sequence change creates a premature translational stop signal (p.Ala159Profs*6) in the KRIT1 gene. It is expected to result in an absent or disrupted protein product. Loss-of-function variants in KRIT1 are known to be pathogenic (PMID: 10508515, 11222804, 12404106, 24689081). This variant is not present in population databases (gnomAD no frequency). This variant has not been reported in the literature in individuals affected with KRIT1-related conditions. For these reasons, this variant has been classified as Pathogenic.

Literature cited by the submitters: PubMed 10508515; PubMed 11222804; PubMed 12404106; PubMed 24689081.